The following is an entry in ClinVar:

NM_006521.6(TFE3):c.941C>A (p.Pro314Gln)

Gene: TFE3 (transcription factor binding to IGHM enhancer 3; minus strand). Cytogenetic location: Xp11.23.
Variant type: single nucleotide variant.
Coding change: c.941C>A on transcript NM_006521.6 (MANE Select); coding-DNA position 941, C replaced by A.
Protein change: p.Pro314Gln; replaces proline 314 with glutamine.
Molecular consequence: missense variant.
Genome position (GRCh38, 1-based): chrX:49,034,196, G>T on the plus strand (C>A on the coding strand, the complement: TFE3 is on the minus strand). VCF-style: chrX-49034196-G-T. GRCh37 (hg19) VCF-style: chrX-48891711-G-T.
Other names: c.626C>A, p.Pro209Gln (NM_001282142.2); short protein forms P209Q, P314Q.
Identifiers: ClinVar variation 5037432 (VCV005037432.1).

ClinVar aggregate classification (germline): Uncertain significance (1 of 4 stars; one submission).

Submission:

GeneDx
Classification: Uncertain significance. Last evaluated: 2026-04-21. Review status: criteria provided, single submitter. Criteria: GeneDx Variant Classification Process June 2021. Collection method: clinical testing. Allele origin: germline.
Comment: In silico analysis supports that this missense variant has a deleterious effect on protein structure/function; Not observed at significant frequency in large population cohorts (gnomAD); Has not been previously published as pathogenic or benign to our knowledge